The following is an entry in ClinVar:

NM_003823.4(TNFRSF6B):c.37T>C (p.Cys13Arg)

Genes: TNFRSF6B (TNF receptor superfamily member 6b; plus strand), RTEL1-TNFRSF6B (RTEL1-TNFRSF6B readthrough (NMD candidate); plus strand). Cytogenetic location: 20q13.33.
Variant type: single nucleotide variant.
Coding change: c.37T>C on transcript NM_003823.4 (MANE Select); coding-DNA position 37, T replaced by C.
Protein change: p.Cys13Arg; replaces cysteine 13 with arginine.
Molecular consequence: missense variant. On other transcripts: non-coding transcript variant (1).
Genome position (GRCh38, 1-based): chr20:63,696,804, T>C. VCF-style: chr20-63696804-T-C. GRCh37 (hg19) VCF-style: chr20-62328157-T-C.
Other names: short protein forms C13R.
Identifiers: ClinVar variation 3650094 (VCV003650094.2).

ClinVar aggregate classification (germline): Uncertain significance (1 of 4 stars; one submission).

Submission:

Labcorp Genetics (formerly Invitae), Labcorp
Classification: Uncertain significance. Last evaluated: 2024-12-15. Review status: criteria provided, single submitter. Criteria: Invitae Variant Classification Sherloc (09022015). Collection method: clinical testing. Allele origin: germline.
Comment: This sequence change replaces cysteine, which is neutral and slightly polar, with arginine, which is basic and polar, at codon 13 of the TNFRSF6B protein (p.Cys13Arg). This variant is not present in population databases (gnomAD no frequency). This variant has not been reported in the literature in individuals affected with TNFRSF6B-related conditions. Experimental studies and prediction algorithms are not available or were not evaluated, and the functional significance of this variant is currently unknown. In summary, the available evidence is currently insufficient to determine the role of this variant in disease. Therefore, it has been classified as a Variant of Uncertain Significance.